The following is an entry in ClinVar:

NM_000038.6(APC):c.5932G>C (p.Glu1978Gln)

Gene: APC (APC regulator of Wnt signaling pathway; plus strand). Cytogenetic location: 5q22.2.
Variant type: single nucleotide variant.
Coding change: c.5932G>C on transcript NM_000038.6 (MANE Select); coding-DNA position 5932, G replaced by C.
Protein change: p.Glu1978Gln; replaces glutamic acid 1978 with glutamine.
Molecular consequence: missense variant.
Genome position (GRCh38, 1-based): chr5:112,841,526, G>C. VCF-style: chr5-112841526-G-C. GRCh37 (hg19) VCF-style: chr5-112177223-G-C.
Other names: c.5932G>C, p.Glu1978Gln (NM_001127510.3, NM_001354895.2, NM_001407450.1); c.5878G>C, p.Glu1960Gln (NM_001127511.3); c.5986G>C, p.Glu1996Gln (NM_001354896.2, NM_001407447.1, NM_001407448.1 and 1 more transcripts); c.5962G>C, p.Glu1988Gln (NM_001354897.2); c.5857G>C, p.Glu1953Gln (NM_001354898.2); c.5848G>C, p.Glu1950Gln (NM_001354899.2); c.5809G>C, p.Glu1937Gln (NM_001354900.2); c.5755G>C, p.Glu1919Gln (NM_001354901.2, NM_001407453.1); and 11 more; short protein forms E1594Q, E1953Q, E1996Q, E2006Q, E1818Q, E1919Q, E1960Q, E1849Q.
Identifiers: ClinVar variation 2125726 (VCV002125726.4), dbSNP rs1766090907, ClinGen allele CA16034310.

ClinVar aggregate classification (germline): Uncertain significance (1 of 4 stars; one submission).

Conditions:
Familial adenomatous polyposis 1 (FAP1). Also called: POLYPOSIS, ADENOMATOUS INTESTINAL; FAMILIAL ADENOMATOUS POLYPOSIS 1, ATTENUATED. Identifiers: MedGen C2713442, MONDO:0021056, OMIM 175100. Disease mechanism: loss of function.

Allele frequency attached by ClinVar (database versions not stated): gnomAD exomes below 0.00001.
gnomAD v4.1: 1 of 1,613,914 alleles (0.000062%); highest among the groups gnomAD compares: South Asian, 0.0011%; no homozygotes.

Submission:

Labcorp Genetics (formerly Invitae), Labcorp
Classification: Uncertain significance for Familial adenomatous polyposis 1. Last evaluated: 2023-05-18. Review status: criteria provided, single submitter. Criteria: Invitae Variant Classification Sherloc (09022015). Collection method: clinical testing. Allele origin: germline.
Comment: This sequence change replaces glutamic acid, which is acidic and polar, with glutamine, which is neutral and polar, at codon 1978 of the APC protein (p.Glu1978Gln). In summary, the available evidence is currently insufficient to determine the role of this variant in disease. Therefore, it has been classified as a Variant of Uncertain Significance. Advanced modeling of protein sequence and biophysical properties (such as structural, functional, and spatial information, amino acid conservation, physicochemical variation, residue mobility, and thermodynamic stability) performed at Invitae indicates that this missense variant is not expected to disrupt APC protein function. ClinVar contains an entry for this variant (Variation ID: 2125726). This variant has not been reported in the literature in individuals affected with APC-related conditions. This variant is not present in population databases (gnomAD no frequency).